The following is an entry in ClinVar:

NM_000051.4(ATM):c.2125-5T>G

Gene: ATM (ATM serine/threonine kinase; plus strand). Cytogenetic location: 11q22.3.
Variant type: single nucleotide variant.
Coding change: c.2125-5T>G on transcript NM_000051.4 (MANE Select); 5 bases into the intron before coding-DNA position 2125, T replaced by G.
Molecular consequence: intron variant.
Genome position (GRCh38, 1-based): chr11:108,256,210, T>G. VCF-style: chr11-108256210-T-G. GRCh37 (hg19) VCF-style: chr11-108126937-T-G.
Other names: c.2125-5T>G (NM_001351834.2).
Identifiers: ClinVar variation 849620 (VCV000849620.10), dbSNP rs2080471238, ClinGen allele CA916080462.

ClinVar aggregate classification (germline): Uncertain significance (1 of 4 stars; one submission).

Conditions:
Ataxia-telangiectasia syndrome (AT). Also called: Ataxia-telangiectasia, complementation group E; Cerebello-oculocutaneous telangiectasia; Immunodeficiency with ataxia telangiectasia; Ataxia-telangiectasia, complementation group D; AT, COMPLEMENTATION GROUP C; Ataxia-telangiectasia. Identifiers: Orphanet 100, MedGen C0004135, MONDO:0008840, OMIM 208900.

Submission:

Labcorp Genetics (formerly Invitae), Labcorp
Classification: Uncertain significance for Ataxia-telangiectasia syndrome. Last evaluated: 2021-02-24. Review status: criteria provided, single submitter. Criteria: Invitae Variant Classification Sherloc (09022015). Collection method: clinical testing. Allele origin: germline.
Comment: This sequence change falls in intron 13 of the ATM gene. It does not directly change the encoded amino acid sequence of the ATM protein. This variant is not present in population databases (ExAC no frequency). This variant has not been reported in the literature in individuals with ATM-related conditions. Algorithms developed to predict the effect of sequence changes on RNA splicing suggest that this variant may disrupt the consensus splice site, but this prediction has not been confirmed by published transcriptional studies. In summary, the available evidence is currently insufficient to determine the role of this variant in disease. Therefore, it has been classified as a Variant of Uncertain Significance.